The following is an entry in ClinVar:

ClinVar aggregate classification (germline): Uncertain significance (1 of 4 stars; one submission).

Conditions:
Hereditary cancer-predisposing syndrome. Also called: Tumor predisposition; Neoplastic Syndromes, Hereditary; Hereditary neoplastic syndrome; Hereditary Cancer Syndrome. Identifiers: Orphanet 140162, MedGen C0027672, MeSH D009386, MONDO:0015356.

Submission:

Ambry Genetics
Classification: Uncertain significance for Hereditary cancer-predisposing syndrome. Last evaluated: 2024-08-08. Review status: criteria provided, single submitter. Criteria: Ambry Variant Classification Scheme 2023. Collection method: clinical testing. Allele origin: germline.
Comment: The p.M1? variant (also known as c.1A>T) is located in coding exon 1 of the SMARCA4 gene and results from a A to T substitution at nucleotide position 1. This alters the methionine residue at the initiation codon (ATG). Variations that modify the initiation codon (ATG) are expected to result in either loss of translation initiation, N-terminal truncation, or cause a shift in the mRNA reading frame; however, there is an in-frame methionine 26 amino acids from the initiation site, which may result in N-terminal truncation of unknown functional significance. Based on the available evidence, the clinical significance of this variant remains unclear.

NM_003072.5(SMARCA4):c.1A>T (p.Met1Leu)

Gene: SMARCA4 (SWI/SNF related BAF chromatin remodeling complex subunit ATPase 4; plus strand). Cytogenetic location: 19p13.2.
Variant type: single nucleotide variant.
Coding change: c.1A>T on transcript NM_003072.5 (MANE Select); coding-DNA position 1, A replaced by T.
Protein change: p.Met1Leu; changes the start codon (methionine 1).
Molecular consequence: missense variant, initiator codon variant. On other transcripts: non-coding transcript variant (1).
Genome position (GRCh38, 1-based): chr19:10,984,152, A>T. VCF-style: chr19-10984152-A-T. GRCh37 (hg19) VCF-style: chr19-11094828-A-T.
Other names: c.1A>T, p.Met1Leu (NM_001128844.3, NM_001128845.2, NM_001128846.2 and 6 more transcripts); short protein forms M1L.
Identifiers: ClinVar variation 3445979 (VCV003445979.1).